The following is an entry in ClinVar:

ClinVar aggregate classification (germline): Pathogenic (1 of 4 stars; one submission).

Submission:

ISCA site 15
Classification: Pathogenic. Last evaluated: 2011-08-12. Review status: criteria provided, single submitter. Criteria: Kaminsky et al. (Genet Med. 2011). Collection method: clinical testing. Allele origin: de novo. Affected: yes. Observed: 2 variant alleles.
Comment: Copy number variation identified through the course of routine clinical cytogenomic testing in postnatal populations. Clinical assertions have been curated as described in Kaminsky et al. 2011.

GRCh38/hg38 17q21.31(chr17:45640337-46273786)x1

Genes: CRHR1 (corticotropin releasing hormone receptor 1), KANSL1 (KAT8 regulatory NSL complex subunit 1), KANSL1-AS1 (KANSL1 antisense RNA 1), LINC02210 (long intergenic non-protein coding RNA 2210), LINC02210-CRHR1 (LINC02210-CRHR1 readthrough) and 9 more. Cytogenetic location: 17q21.31.
Variant type: copy number loss.
Change: copy number 1 (one copy instead of two) of chr17:45,640,337-46,273,786 (633.5 kb, GRCh38 coordinates, 1-based), cytogenetic band 17q21.31.
Identifiers: ClinVar variation 57540 (VCV000057540.1).